The following is an entry in ClinVar:

NM_015884.4(MBTPS2):c.33G>A (p.Val11=)

Gene: MBTPS2 (membrane bound transcription factor peptidase, site 2; plus strand). Cytogenetic location: Xp22.12.
Variant type: single nucleotide variant.
Coding change: c.33G>A on transcript NM_015884.4 (MANE Select); coding-DNA position 33, G replaced by A.
Protein change: p.Val11=; no amino-acid change (valine 11 retained).
Molecular consequence: synonymous variant.
Genome position (GRCh38, 1-based): chrX:21,839,767, G>A. VCF-style: chrX-21839767-G-A. GRCh37 (hg19) VCF-style: chrX-21857885-G-A.
Identifiers: ClinVar variation 2112237 (VCV002112237.4), dbSNP rs2519552006, ClinGen allele CA515418675.

ClinVar aggregate classification (germline): Uncertain significance (1 of 4 stars; one submission).

Submission:

Labcorp Genetics (formerly Invitae), Labcorp
Classification: Uncertain significance. Last evaluated: 2022-03-14. Review status: criteria provided, single submitter. Criteria: Invitae Variant Classification Sherloc (09022015). Collection method: clinical testing. Allele origin: germline.
Comment: This variant has not been reported in the literature in individuals affected with MBTPS2-related conditions. This sequence change affects codon 11 of the MBTPS2 mRNA. It is a 'silent' change, meaning that it does not change the encoded amino acid sequence of the MBTPS2 protein. This variant is not present in population databases (gnomAD no frequency). Algorithms developed to predict the effect of sequence changes on RNA splicing suggest that this variant may create or strengthen a splice site. In summary, the available evidence is currently insufficient to determine the role of this variant in disease. Therefore, it has been classified as a Variant of Uncertain Significance.